The following is an entry in ClinVar:

ClinVar aggregate classification (germline): Uncertain significance. Review status: criteria provided, multiple submitters, no conflicts (2 of 4 stars). 2 submissions from 2 submitters: Uncertain significance (2). Last evaluated 2025-07-10.

Conditions:
Hereditary breast ovarian cancer syndrome. Also called: Hereditary breast and ovarian cancer syndrome (HBOC); Hereditary breast and/or ovarian cancer syndrome; Breast and ovarian cancer; Hereditary breast and ovarian cancer syndrome; Hereditary breast and ovarian cancer; BRCA1- and BRCA2-Associated Hereditary Breast and Ovarian Cancer. Identifiers: Orphanet 145, MedGen C0677776, MeSH D061325, MONDO:0003582. Disease mechanism: loss of function.
Hereditary cancer-predisposing syndrome. Also called: Hereditary Cancer Syndrome; Hereditary neoplastic syndrome; Neoplastic Syndromes, Hereditary; Tumor predisposition. Identifiers: Orphanet 140162, MedGen C0027672, MeSH D009386, MONDO:0015356.

gnomAD v4.1: 1 of 1,614,030 alleles (0.000062%); highest among the groups gnomAD compares: South Asian, 0.0011%; no homozygotes.

Submissions (2):

Ambry Genetics
Classification: Uncertain significance for Hereditary cancer-predisposing syndrome. Last evaluated: 2025-07-10. Review status: criteria provided, single submitter. Criteria: Ambry Variant Classification Scheme 2023. Collection method: clinical testing. Allele origin: germline.
Comment: The p.S1156F variant (also known as c.3467C>T), located in coding exon 10 of the BRCA2 gene, results from a C to T substitution at nucleotide position 3467. The serine at codon 1156 is replaced by phenylalanine, an amino acid with highly dissimilar properties. This amino acid position is not well conserved in available vertebrate species. In addition, this alteration is predicted to be tolerated by in silico analysis. Based on the available evidence, the clinical significance of this variant remains unclear.

Labcorp Genetics (formerly Invitae), Labcorp
Classification: Uncertain significance for Hereditary breast ovarian cancer syndrome. Last evaluated: 2025-05-19. Review status: criteria provided, single submitter. Criteria: Invitae Variant Classification Sherloc (09022015). Collection method: clinical testing. Allele origin: germline.
Comment: This sequence change replaces serine, which is neutral and polar, with phenylalanine, which is neutral and non-polar, at codon 1156 of the BRCA2 protein (p.Ser1156Phe). This variant is present in population databases (rs778371076, gnomAD 0.003%). This variant has not been reported in the literature in individuals affected with BRCA2-related conditions. Invitae Evidence Modeling of protein sequence and biophysical properties (such as structural, functional, and spatial information, amino acid conservation, physicochemical variation, residue mobility, and thermodynamic stability) indicates that this missense variant is not expected to disrupt BRCA2 protein function with a negative predictive value of 95%. In summary, the available evidence is currently insufficient to determine the role of this variant in disease. Therefore, it has been classified as a Variant of Uncertain Significance.

NM_000059.4(BRCA2):c.3467C>T (p.Ser1156Phe)

Gene: BRCA2 (BRCA2 DNA repair associated; plus strand). Cytogenetic location: 13q13.1.
Variant type: single nucleotide variant.
Coding change: c.3467C>T on transcript NM_000059.4 (MANE Select); coding-DNA position 3467, C replaced by T.
Protein change: p.Ser1156Phe; replaces serine 1156 with phenylalanine.
Molecular consequence: missense variant. On other transcripts: non-coding transcript variant (1), intron variant (2).
Genome position (GRCh38, 1-based): chr13:32,337,822, C>T. VCF-style: chr13-32337822-C-T. GRCh37 (hg19) VCF-style: chr13-32911959-C-T.
Other names: c.3467C>T, p.Ser1156Phe (NM_001406719.1, NM_001406720.1, NM_001432077.1); c.1909+4435C>T (NM_001406721.1); c.425-6736C>T (NM_001406722.1); short protein forms S1156F.
Identifiers: ClinVar variation 4215843 (VCV004215843.2).